The following is an entry in ClinVar:

NM_005739.4(RASGRP1):c.1712G>A (p.Arg571Gln)

Gene: RASGRP1 (RAS guanyl releasing protein 1; minus strand). Cytogenetic location: 15q14.
Variant type: single nucleotide variant.
Coding change: c.1712G>A on transcript NM_005739.4 (MANE Select); coding-DNA position 1712, G replaced by A.
Protein change: p.Arg571Gln; replaces arginine 571 with glutamine.
Molecular consequence: missense variant.
Genome position (GRCh38, 1-based): chr15:38,500,111, C>T on the plus strand (G>A on the coding strand, the complement: RASGRP1 is on the minus strand). VCF-style: chr15-38500111-C-T. GRCh37 (hg19) VCF-style: chr15-38792312-C-T.
Other names: c.1607G>A, p.Arg536Gln (NM_001128602.2, NM_001306086.2); short protein forms R536Q, R571Q.
Identifiers: ClinVar variation 1973563 (VCV001973563.4), dbSNP rs1279324286, ClinGen allele CA391663468.
Genomic context (GRCh38, chr15:38,500,111, plus strand): 5'-GCGTGAGAATGGACTGATACACCAGGAATATGTCAACAATATTGAGTCTTACCTTTACAT[C>T]GATATCCTTGTTTGATCACTCCCCAGAGCTATGAAACAAGAGACAGAATGCACCACATGT-3'
Protein context (NP_005730.2, residues 561-581): FLWGVIKQGY[Arg571Gln]CKDCGMNCHK

ClinVar aggregate classification (germline): Uncertain significance (1 of 4 stars; one submission).

Allele frequency attached by ClinVar (database versions not stated): gnomAD exomes below 0.00001; TOPMed below 0.00001; gnomAD 0.00001.
gnomAD v4.1: 5 of 1,612,938 alleles (0.00031%); highest among the groups gnomAD compares: African/African-American, 0.0027%; no homozygotes.

Submission:

Labcorp Genetics (formerly Invitae), Labcorp
Classification: Uncertain significance. Last evaluated: 2024-10-29. Review status: criteria provided, single submitter. Criteria: Invitae Variant Classification Sherloc (09022015). Collection method: clinical testing. Allele origin: germline.
Comment: This sequence change replaces arginine, which is basic and polar, with glutamine, which is neutral and polar, at codon 571 of the RASGRP1 protein (p.Arg571Gln). The frequency data for this variant in the population databases is considered unreliable, as metrics indicate poor data quality at this position in the gnomAD database. This variant has not been reported in the literature in individuals affected with RASGRP1-related conditions. ClinVar contains an entry for this variant (Variation ID: 1973563). Invitae Evidence Modeling of protein sequence and biophysical properties (such as structural, functional, and spatial information, amino acid conservation, physicochemical variation, residue mobility, and thermodynamic stability) indicates that this missense variant is not expected to disrupt RASGRP1 protein function with a negative predictive value of 80%. In summary, the available evidence is currently insufficient to determine the role of this variant in disease. Therefore, it has been classified as a Variant of Uncertain Significance.